The following is an entry in ClinVar:

ClinVar aggregate classification (germline): Uncertain significance (1 of 4 stars; one submission).

Submission:

Women's Health and Genetics/Laboratory Corporation of America, LabCorp
Classification: Uncertain significance. Last evaluated: 2026-04-10. Review status: criteria provided, single submitter. Criteria: LabCorp Variant Classification Summary - May 2015. Collection method: clinical testing. Allele origin: germline.
Comment: Variant summary: MED12L c.367A>G (p.Asn123Asp) results in a conservative amino acid change in the encoded protein sequence. Algorithms developed to predict the effect of missense changes on protein structure and function are either unavailable or do not agree on the potential impact of this missense change. The variant was absent in 243720 control chromosomes. The available data on variant occurrences in the general population are insufficient to allow any conclusion about variant significance. To our knowledge, no occurrence of c.367A>G in individuals affected with MED12L-related conditions and no experimental evidence demonstrating its impact on protein function have been reported. No submitters have cited clinical-significance assessments for this variant to ClinVar. Based on the evidence outlined above, the variant was classified as uncertain significance.

NM_001393769.1(MED12L):c.367A>G (p.Asn123Asp)

Gene: MED12L (mediator complex subunit 12L; plus strand). Cytogenetic location: 3q25.1.
Variant type: single nucleotide variant.
Coding change: c.367A>G on transcript NM_001393769.1 (MANE Select); coding-DNA position 367, A replaced by G.
Protein change: p.Asn123Asp; replaces asparagine 123 with aspartic acid.
Molecular consequence: missense variant.
Genome position (GRCh38, 1-based): chr3:151,122,945, A>G. VCF-style: chr3-151122945-A-G. GRCh37 (hg19) VCF-style: chr3-150840732-A-G.
Other names: c.367A>G, p.Asn123Asp (NM_053002.6); short protein forms N123D.
Identifiers: ClinVar variation 4848700 (VCV004848700.1).